The following is an entry in ClinVar:

ClinVar aggregate classification (germline): Uncertain significance (1 of 4 stars; one submission).

Submission:

CeGaT Center for Human Genetics Tuebingen
Classification: Uncertain significance. Last evaluated: 2026-07-01. Review status: criteria provided, single submitter. Criteria: CeGaT Center For Human Genetics Tuebingen Variant Classification Criteria Version 2. Collection method: clinical testing. Allele origin: germline. Affected: yes. Observed: 1 variant allele.
Comment: HNRNPH2: PM2:Supporting, BP4

NM_019597.5(HNRNPH2):c.399G>T (p.Gly133=)

Genes: HNRNPH2 (heterogeneous nuclear ribonucleoprotein H2; plus strand), RPL36A-HNRNPH2 (RPL36A-HNRNPH2 readthrough; plus strand). Cytogenetic location: Xq22.1.
Variant type: single nucleotide variant.
Coding change: c.399G>T on transcript NM_019597.5 (MANE Select); coding-DNA position 399, G replaced by T.
Protein change: p.Gly133=; no amino-acid change (glycine 133 retained).
Molecular consequence: synonymous variant. On other transcripts: 3 prime UTR variant (2).
Genome position (GRCh38, 1-based): chrX:101,412,387, G>T. VCF-style: chrX-101412387-G-T. GRCh37 (hg19) VCF-style: chrX-100667375-G-T.
Other names: c.*395G>T (NM_001199973.2, NM_001199974.2); c.399G>T, p.Gly133= (NM_001032393.3).
Identifiers: ClinVar variation 5039937 (VCV005039937.1).
Genomic context (GRCh38, chrX:101,412,387, plus strand): 5'-CCGGCTTAGAGGACTCCCATTTGGCTGTAGCAAGGAAGAGATTGTTCAGTTCTTTTCAGG[G>T]TTGGAAATTGTGCCAAATGGGATGACACTGCCAGTGGACTTTCAGGGGCGAAGCACAGGG-3'
Protein context (NP_062543.1, residues 123-143): SKEEIVQFFS[Gly133=]LEIVPNGMTL